The following is an entry in ClinVar:

NM_032229.3(SLITRK6):c.758T>G (p.Phe253Cys)

Gene: SLITRK6 (SLIT and NTRK like family member 6; minus strand). Cytogenetic location: 13q31.1.
Variant type: single nucleotide variant.
Coding change: c.758T>G on transcript NM_032229.3 (MANE Select); coding-DNA position 758, T replaced by G.
Protein change: p.Phe253Cys; replaces phenylalanine 253 with cysteine.
Molecular consequence: missense variant.
Genome position (GRCh38, 1-based): chr13:85,795,751, A>C on the plus strand (T>G on the coding strand, the complement: SLITRK6 is on the minus strand). VCF-style: chr13-85795751-A-C. GRCh37 (hg19) VCF-style: chr13-86369886-A-C.
Other names: short protein forms F253C.
Identifiers: ClinVar variation 2109194 (VCV002109194.4), dbSNP rs1436270401, ClinGen allele CA388379799.

ClinVar aggregate classification (germline): Uncertain significance (1 of 4 stars; one submission).

Allele frequency attached by ClinVar (database versions not stated): TOPMed 0.00001.
gnomAD v4.1: 1 of 1,612,782 alleles (0.000062%); highest among the groups gnomAD compares: Non-Finnish European, 0.000085%; no homozygotes.

Submission:

Labcorp Genetics (formerly Invitae), Labcorp
Classification: Uncertain significance. Last evaluated: 2023-07-17. Review status: criteria provided, single submitter. Criteria: Invitae Variant Classification Sherloc (09022015). Collection method: clinical testing. Allele origin: germline.
Comment: An algorithm developed to predict the effect of missense changes on protein structure and function (PolyPhen-2) suggests that this variant is likely to be tolerated. In summary, the available evidence is currently insufficient to determine the role of this variant in disease. Therefore, it has been classified as a Variant of Uncertain Significance. ClinVar contains an entry for this variant (Variation ID: 2109194). This variant has not been reported in the literature in individuals affected with SLITRK6-related conditions. This variant is not present in population databases (gnomAD no frequency). This sequence change replaces phenylalanine, which is neutral and non-polar, with cysteine, which is neutral and slightly polar, at codon 253 of the SLITRK6 protein (p.Phe253Cys).